The following is an entry in ClinVar:

NM_001080453.3(INTS1):c.4196C>T (p.Pro1399Leu)

Gene: INTS1 (integrator complex subunit 1; minus strand). Cytogenetic location: 7p22.3.
Variant type: single nucleotide variant.
Coding change: c.4196C>T on transcript NM_001080453.3 (MANE Select); coding-DNA position 4196, C replaced by T.
Protein change: p.Pro1399Leu; replaces proline 1399 with leucine.
Molecular consequence: missense variant.
Genome position (GRCh38, 1-based): chr7:1,479,563, G>A on the plus strand (C>T on the coding strand, the complement: INTS1 is on the minus strand). VCF-style: chr7-1479563-G-A. GRCh37 (hg19) VCF-style: chr7-1519199-G-A.
Other names: short protein forms P1399L.
Identifiers: ClinVar variation 3392859 (VCV003392859.1).
Genomic context (GRCh38, chr7:1,479,563, plus strand): 5'-CCGCCGTGTGGGGAGCTGAGCAGGGTGGCGAGGGCCTGCAGGACACGCACCGTGATGCCC[G>A]GCACCTCGGGGCTGCCCTGGACGACGCGGGCCAGCTCCTGGCCCAGGGCCTGCTGCAGGG-3'
Protein context (NP_001073922.2, residues 1389-1409): ARVVQGSPEV[Pro1399Leu]GITVRVLQAL

ClinVar aggregate classification (germline): Uncertain significance (1 of 4 stars; one submission).

gnomAD v4.1: 18 of 1,549,122 alleles (0.0012%); highest among the groups gnomAD compares: African/African-American, 0.0041%; no homozygotes.

Submission:

GeneDx
Classification: Uncertain significance. Last evaluated: 2024-06-25. Review status: criteria provided, single submitter. Criteria: GeneDx Variant Classification Process June 2021. Collection method: clinical testing. Allele origin: germline. Affected: yes.
Comment: Not observed at significant frequency in large population cohorts (gnomAD); In silico analysis indicates that this missense variant does not alter protein structure/function; Has not been previously published as pathogenic or benign to our knowledge